The following is an entry in ClinVar:

ClinVar aggregate classification (germline): Uncertain significance (1 of 4 stars; one submission).

gnomAD v4.1: 7 of 1,613,846 alleles (0.00043%); highest among the groups gnomAD compares: South Asian, 0.0011%; no homozygotes.

Submission:

Labcorp Genetics (formerly Invitae), Labcorp
Classification: Uncertain significance. Last evaluated: 2025-03-26. Review status: criteria provided, single submitter. Criteria: Invitae Variant Classification Sherloc (09022015). Collection method: clinical testing. Allele origin: germline.
Comment: This sequence change replaces glutamic acid, which is acidic and polar, with lysine, which is basic and polar, at codon 302 of the COL7A1 protein (p.Glu302Lys). This variant is present in population databases (rs757361750, gnomAD 0.003%). This variant has not been reported in the literature in individuals affected with COL7A1-related conditions. Invitae Evidence Modeling of protein sequence and biophysical properties (such as structural, functional, and spatial information, amino acid conservation, physicochemical variation, residue mobility, and thermodynamic stability) indicates that this missense variant is not expected to disrupt COL7A1 protein function with a negative predictive value of 95%. In summary, the available evidence is currently insufficient to determine the role of this variant in disease. Therefore, it has been classified as a Variant of Uncertain Significance.

NM_000094.4(COL7A1):c.904G>A (p.Glu302Lys)

Gene: COL7A1 (collagen type VII alpha 1 chain; minus strand). Cytogenetic location: 3p21.31.
Variant type: single nucleotide variant.
Coding change: c.904G>A on transcript NM_000094.4 (MANE Select); coding-DNA position 904, G replaced by A.
Protein change: p.Glu302Lys; replaces glutamic acid 302 with lysine.
Molecular consequence: missense variant.
Genome position (GRCh38, 1-based): chr3:48,592,642, C>T on the plus strand (G>A on the coding strand, the complement: COL7A1 is on the minus strand). VCF-style: chr3-48592642-C-T. GRCh37 (hg19) VCF-style: chr3-48630075-C-T.
Other names: short protein forms E302K.
Identifiers: ClinVar variation 4752059 (VCV004752059.1).
Genomic context (GRCh38, chr3:48,592,642, plus strand): 5'-TCCCGCTCACAGCCTCCCCGATGCTGTTGGCGTAGAGGGCAATCACAGTCACTTGGTACT[C>T]GGTCAGTGGCCGGAGACCCCGCAGCCGCACACTGGTCTCACCAGCTGGGACGTTCACCTG-3'
Protein context (NP_000085.1, residues 292-312): VRLRGLRPLT[Glu302Lys]YQVTVIALYA